The following is an entry in ClinVar:

ClinVar aggregate classification (germline): Pathogenic (1 of 4 stars; one submission).

Conditions:
Hereditary cancer-predisposing syndrome. Also called: Neoplastic Syndromes, Hereditary; Hereditary neoplastic syndrome; Tumor predisposition; Hereditary Cancer Syndrome. Identifiers: Orphanet 140162, MedGen C0027672, MeSH D009386, MONDO:0015356.

Submission:

Labcorp Genetics (formerly Invitae), Labcorp
Classification: Pathogenic for Hereditary cancer-predisposing syndrome. Last evaluated: 2022-12-24. Review status: criteria provided, single submitter. Criteria: Invitae Variant Classification Sherloc (09022015). Collection method: clinical testing. Allele origin: germline.
Comment: This sequence change creates a premature translational stop signal (p.Thr61Glnfs*27) in the RAD50 gene. It is expected to result in an absent or disrupted protein product. Loss-of-function variants in RAD50 are known to be pathogenic (PMID: 19409520). This variant is not present in population databases (gnomAD no frequency). This variant has not been reported in the literature in individuals affected with RAD50-related conditions. For these reasons, this variant has been classified as Pathogenic.

Literature cited by the submitters: PubMed 19409520.

NM_005732.4(RAD50):c.181_182del (p.Thr61fs)

Gene: RAD50 (RAD50 double strand break repair protein; plus strand). Cytogenetic location: 5q31.1.
Variant type: Deletion.
Coding change: c.181_182del on transcript NM_005732.4 (MANE Select); coding-DNA positions 181 to 182, 2 bases deleted (AC; older notation c.181_182delAC).
Protein change: p.Thr61fs; shifts the reading frame from threonine 61.
Molecular consequence: frameshift variant.
Genome position (GRCh38, 1-based): chr5:132,559,335-132,559,336, AC deleted. VCF-style (leftmost placement, unchanged base first): chr5-132559334-AAC-A. GRCh37 (hg19) VCF-style: chr5-131895026-AAC-A.
Other names: short protein forms T61fs.
Identifiers: ClinVar variation 2823725 (VCV002823725.3), dbSNP rs2479579754, ClinGen allele CA2739275058.
Genomic context (GRCh38, chr5:132,559,334, plus strand): 5'-ATTTCTTTAGACCATCATTGAATGTCTAAAATATATTTGTACTGGAGATTTCCCTCCTGG[AAC>A]CAAAGGAAATACATTTGTACACGATCCCAAGGTAATGGTGCTAGTACAATTTTGTATTTT-3'